The following is an entry in ClinVar:

NM_001353921.2(ARHGEF9):c.451C>A (p.Gln151Lys)

Gene: ARHGEF9 (Cdc42 guanine nucleotide exchange factor 9; minus strand). Cytogenetic location: Xq11.1.
Variant type: single nucleotide variant.
Coding change: c.451C>A on transcript NM_001353921.2 (MANE Select); coding-DNA position 451, C replaced by A.
Protein change: p.Gln151Lys; replaces glutamine 151 with lysine.
Molecular consequence: missense variant.
Genome position (GRCh38, 1-based): chrX:63,697,256, G>T on the plus strand (C>A on the coding strand, the complement: ARHGEF9 is on the minus strand). VCF-style: chrX-63697256-G-T. GRCh37 (hg19) VCF-style: chrX-62917136-G-T.
Other names: c.250C>A, p.Gln84Lys (NM_001369040.1, NM_001353924.2, NM_001353926.2 and 1 more transcripts); c.367C>A, p.Gln123Lys (NM_001369041.1, NM_001369043.1, NM_001369044.1 and 8 more transcripts); c.124C>A, p.Gln42Lys (NM_001369042.1, NM_001173480.2); c.16C>A, p.Gln6Lys (NM_001369045.1); c.430C>A, p.Gln144Lys (NM_015185.3, NM_001353928.2, NM_001369030.1 and 2 more transcripts); c.271C>A, p.Gln91Lys (NM_001173479.2); c.451C>A, p.Gln151Lys (NM_001353922.2); c.469C>A, p.Gln157Lys (NM_001353923.1); short protein forms Q144K, Q157K, Q6K, Q84K, Q123K, Q91K, Q151K, Q42K.
Identifiers: ClinVar variation 578611 (VCV000578611.11), dbSNP rs781955551, ClinGen allele CA10431937.

ClinVar aggregate classification (germline): Uncertain significance. Review status: criteria provided, multiple submitters, no conflicts (2 of 4 stars). 2 submissions from 2 submitters: Uncertain significance (2). Last evaluated 2024-08-26.

Conditions:
Inborn genetic diseases. Identifiers: MedGen C0950123, MeSH D030342.
Developmental and epileptic encephalopathy, 8 (DEE8). Also called: HYPEREKPLEXIA AND EPILEPSY. Identifiers: Orphanet 163985, Orphanet 2076, MedGen C1845102, MONDO:0010375, OMIM 300607.

Allele frequency attached by ClinVar (database versions not stated): ExAC 0.00001; gnomAD exomes 0.00001.
gnomAD v4.1: 24 of 1,210,269 alleles (0.002%); highest among the groups gnomAD compares: Non-Finnish European, 0.0025%; no homozygotes.

Submissions (2):

Ambry Genetics
Classification: Uncertain significance for Inborn genetic diseases. Last evaluated: 2024-08-26. Review status: criteria provided, single submitter. Criteria: Ambry Variant Classification Scheme 2023. Collection method: clinical testing. Allele origin: germline.

Labcorp Genetics (formerly Invitae), Labcorp
Classification: Uncertain significance for Developmental and epileptic encephalopathy, 8. Last evaluated: 2020-03-07. Review status: criteria provided, single submitter. Criteria: Invitae Variant Classification Sherloc (09022015). Collection method: clinical testing. Allele origin: germline.
Comment: Algorithms developed to predict the effect of missense changes on protein structure and function (SIFT, PolyPhen-2, Align-GVGD) all suggest that this variant is likely to be disruptive, but these predictions have not been confirmed by published functional studies and their clinical significance is uncertain. This variant has not been reported in the literature in individuals with ARHGEF9-related disease. This variant is present in population databases (rs781955551, ExAC 0.002%). This sequence change replaces glutamine with lysine at codon 144 of the ARHGEF9 protein (p.Gln144Lys). The glutamine residue is highly conserved and there is a small physicochemical difference between glutamine and lysine. In summary, the available evidence is currently insufficient to determine the role of this variant in disease. Therefore, it has been classified as a Variant of Uncertain Significance.